The following is an entry in ClinVar:

NM_153033.5(KCTD7):c.181C>G (p.His61Asp)

Gene: KCTD7 (potassium channel tetramerization domain containing 7; plus strand). Cytogenetic location: 7q11.21.
Variant type: single nucleotide variant.
Coding change: c.181C>G on transcript NM_153033.5 (MANE Select); coding-DNA position 181, C replaced by G.
Protein change: p.His61Asp; replaces histidine 61 with aspartic acid.
Molecular consequence: missense variant.
Genome position (GRCh38, 1-based): chr7:66,633,311, C>G. VCF-style: chr7-66633311-C-G. GRCh37 (hg19) VCF-style: chr7-66098298-C-G.
Other names: c.181C>G, p.His61Asp (NM_001167961.2); short protein forms H61D.
Identifiers: ClinVar variation 1423573 (VCV001423573.8), dbSNP rs368018261, ClinGen allele CA367695507.

ClinVar aggregate classification (germline): Uncertain significance (1 of 4 stars; one submission).

Conditions:
Progressive myoclonic epilepsy type 3. Also called: EPILEPSY, PROGRESSIVE MYOCLONIC, 3, WITHOUT INTRACELLULAR INCLUSIONS; KCTD7-Related Progressive Myoclonic Epilepsy; EPILEPSY, PROGRESSIVE MYOCLONIC, 3, WITH OR WITHOUT INTRACELLULAR INCLUSIONS; CEROID LIPOFUSCINOSIS, NEURONAL, 14. Identifiers: Orphanet 263516, MedGen C2673257, MONDO:0012721, OMIM 611726.

Submission:

Labcorp Genetics (formerly Invitae), Labcorp
Classification: Uncertain significance for Progressive myoclonic epilepsy type 3. Last evaluated: 2023-07-07. Review status: criteria provided, single submitter. Criteria: Invitae Variant Classification Sherloc (09022015). Collection method: clinical testing. Allele origin: germline.
Comment: This sequence change replaces histidine, which is basic and polar, with aspartic acid, which is acidic and polar, at codon 61 of the KCTD7 protein (p.His61Asp). This variant is not present in population databases (gnomAD no frequency). This variant has not been reported in the literature in individuals affected with KCTD7-related conditions. ClinVar contains an entry for this variant (Variation ID: 1423573). Advanced modeling of protein sequence and biophysical properties (such as structural, functional, and spatial information, amino acid conservation, physicochemical variation, residue mobility, and thermodynamic stability) performed at Invitae indicates that this missense variant is not expected to disrupt KCTD7 protein function. In summary, the available evidence is currently insufficient to determine the role of this variant in disease. Therefore, it has been classified as a Variant of Uncertain Significance.